The following is an entry in ClinVar:

ClinVar aggregate classification (germline): Uncertain significance (1 of 4 stars; one submission).

Submission:

Women's Health and Genetics/Laboratory Corporation of America, LabCorp
Classification: Uncertain significance. Last evaluated: 2026-06-24. Review status: criteria provided, single submitter. Criteria: LabCorp Variant Classification Summary - May 2015. Collection method: clinical testing. Allele origin: germline.
Comment: Variant summary: NEXMIF c.949T>G (p.Phe317Val) results in a non-conservative amino acid change in the encoded protein sequence. Algorithms developed to predict the effect of missense changes on protein structure and function are either unavailable or do not agree on the potential impact of this missense change. The variant was absent in 182953 control chromosomes. The available data on variant occurrences in the general population are insufficient to allow any conclusion about variant significance. To our knowledge, no occurrence of c.949T>G in individuals affected with NEXMIF-related conditions and no experimental evidence demonstrating its impact on protein function have been reported. No submitters have cited clinical-significance assessments for this variant to ClinVar. Based on the evidence outlined above, the variant was classified as uncertain significance.

NM_001008537.3(NEXMIF):c.949T>G (p.Phe317Val)

Gene: NEXMIF (neurite extension and migration factor; minus strand). Cytogenetic location: Xq13.3.
Variant type: single nucleotide variant.
Coding change: c.949T>G on transcript NM_001008537.3 (MANE Select); coding-DNA position 949, T replaced by G.
Protein change: p.Phe317Val; replaces phenylalanine 317 with valine.
Molecular consequence: missense variant.
Genome position (GRCh38, 1-based): chrX:74,743,608, A>C on the plus strand (T>G on the coding strand, the complement: NEXMIF is on the minus strand). VCF-style: chrX-74743608-A-C. GRCh37 (hg19) VCF-style: chrX-73963443-A-C.
Other names: short protein forms F317V.
Identifiers: ClinVar variation 4887702 (VCV004887702.1).